The following is an entry in ClinVar:

ClinVar aggregate classification (germline): Uncertain significance. Review status: criteria provided, multiple submitters, no conflicts (2 of 4 stars). 4 submissions from 4 submitters: Uncertain significance (4). Last evaluated 2025-01-14.

Conditions:
FREM2-related disorder. Also called: FREM2-related condition.
Inborn genetic diseases. Identifiers: MedGen C0950123, MeSH D030342.

Allele frequency attached by ClinVar (database versions not stated): ESP Exome Variant Server 0.00015; 1000 Genomes Project 30x 0.00016; gnomAD 0.00017 and 0.00018; 1000 Genomes Project 0.00020; TOPMed 0.00022; gnomAD exomes 0.00029; ExAC 0.00033.
gnomAD v4.1: 536 of 1,614,154 alleles (0.033%); highest among the groups gnomAD compares: Admixed American, 0.047%; no homozygotes.

Submissions (4):

PreventionGenetics, part of Exact Sciences
Classification: Uncertain significance for FREM2-related condition. Last evaluated: 2025-01-14. Review status: criteria provided, single submitter. Criteria: ACMG Guidelines, 2015. Collection method: clinical testing. Allele origin: germline.
Comment: The FREM2 c.4567C>T variant is predicted to result in the amino acid substitution p.Arg1523Cys. To our knowledge, this variant has not been reported in the literature. This variant is reported in 0.048% of alleles in individuals of Latino descent in gnomAD. At this time, the clinical significance of this variant is uncertain due to the absence of conclusive functional and genetic evidence.

Ambry Genetics
Classification: Uncertain significance for Inborn genetic diseases. Last evaluated: 2024-06-18. Review status: criteria provided, single submitter. Criteria: Ambry Variant Classification Scheme 2023. Collection method: clinical testing. Allele origin: germline.

Labcorp Genetics (formerly Invitae), Labcorp
Classification: Uncertain significance. Last evaluated: 2022-05-20. Review status: criteria provided, single submitter. Criteria: Invitae Variant Classification Sherloc (09022015). Collection method: clinical testing. Allele origin: germline.
Comment: This sequence change replaces arginine, which is basic and polar, with cysteine, which is neutral and slightly polar, at codon 1523 of the FREM2 protein (p.Arg1523Cys). This variant is present in population databases (rs200817424, gnomAD 0.04%). This variant has not been reported in the literature in individuals affected with FREM2-related conditions. ClinVar contains an entry for this variant (Variation ID: 193526). Algorithms developed to predict the effect of missense changes on protein structure and function are either unavailable or do not agree on the potential impact of this missense change (SIFT: "Deleterious"; PolyPhen-2: "Probably Damaging"; Align-GVGD: "Class C0"). In summary, the available evidence is currently insufficient to determine the role of this variant in disease. Therefore, it has been classified as a Variant of Uncertain Significance.

Eurofins Ntd Llc (ga)
Classification: Uncertain significance. Last evaluated: 2014-11-15. Review status: criteria provided, single submitter. Criteria: EGL Classification Definitions 2015. Collection method: clinical testing. Allele origin: germline. Observed: 1 variant allele, 1 heterozygote.

NM_207361.6(FREM2):c.4567C>T (p.Arg1523Cys)

Gene: FREM2 (FRAS1 related extracellular matrix 2; plus strand). Cytogenetic location: 13q13.3.
Variant type: single nucleotide variant.
Coding change: c.4567C>T on transcript NM_207361.6 (MANE Select); coding-DNA position 4567, C replaced by T.
Protein change: p.Arg1523Cys; replaces arginine 1523 with cysteine.
Molecular consequence: missense variant.
Genome position (GRCh38, 1-based): chr13:38,691,911, C>T. VCF-style: chr13-38691911-C-T. GRCh37 (hg19) VCF-style: chr13-39266048-C-T.
Other names: c.4567C>T (NM_207361.4, NM_207361.5); short protein forms R1523C.
Identifiers: ClinVar variation 193526 (VCV000193526.12), dbSNP rs200817424, ClinGen allele CA239065.